The following is an entry in ClinVar:

ClinVar aggregate classification (germline): Likely pathogenic (1 of 4 stars; one submission).

Conditions:
Early-onset myopathy with fatal cardiomyopathy (CMYO5). Also called: CONGENITAL MYOPATHY 5 WITH CARDIOMYOPATHY; Salih Myopathy. Identifiers: Orphanet 289377, MedGen C2673677, MONDO:0012714, OMIM 611705. Disease mechanism: loss of function.

Submission:

3billion
Classification: Likely pathogenic for Early-onset myopathy with fatal cardiomyopathy. Review status: criteria provided, single submitter. Criteria: ACMG Guidelines, 2015. Collection method: clinical testing. Allele origin: unknown. Affected: yes. Observed: 1 heterozygote.
Comment: The variant is not observed in the gnomAD v2.1.1 dataset. The variant is predicted to result in a loss or disruption of normal protein function through nonsense-mediated decay (NMD) or protein truncation. Multiple pathogenic variants are reported downstream of the variant. Therefore, this variant is classified as Likely pathogenic according to the recommendation of ACMG/AMP guideline.

NM_001267550.2(TTN):c.3425dup (p.Ile1143fs)

Gene: TTN (titin; minus strand). Cytogenetic location: 2q31.2.
Variant type: Duplication.
Coding change: c.3425dup on transcript NM_001267550.2 (MANE Select); coding-DNA position 3425, one base duplicated (T; older notation c.3425dupT).
Protein change: p.Ile1143fs; shifts the reading frame from isoleucine 1143.
Molecular consequence: frameshift variant.
Genome position (GRCh38, 1-based): chr2:178,781,219, A duplicated on the plus strand (T on the coding strand, the reverse complement: TTN is on the minus strand). VCF-style (leftmost placement, unchanged base first): chr2-178781218-C-CA. GRCh37 (hg19) VCF-style: chr2-179645945-C-CA.
Other names: c.3425dup, p.Ile1143fs (NM_001256850.1, NM_133378.4, NM_133379.5); c.3287dup, p.Ile1097fs (NM_003319.4, NM_133432.3, NM_133437.4); short protein forms I1097fs, I1143fs.
Identifiers: ClinVar variation 2572447 (VCV002572447.1), dbSNP rs2533252843, ClinGen allele CA2580616624.
Genomic context (GRCh38, chr2:178,781,218, plus strand): 5'-ATGCTTATTGCGAACAACAATAGTGTATTCTCCAGCATCATCAGCAAAAGTCATAGAAAT[C>CA]ACCAGCTTGCATTCACCGGTTTGTTTGTTGTAACTCACTTTGTATCTTTATGTAAATGTA-3'